The following is an entry in ClinVar:

NC_012920.1(MT-TY):m.5782_13922del

Genes: MT-CO1 (mitochondrially encoded cytochrome c oxidase I; plus strand), MT-CO2 (mitochondrially encoded cytochrome c oxidase II; plus strand), MT-CO3 (mitochondrially encoded cytochrome c oxidase III; plus strand), MT-ND3 (mitochondrially encoded NADH dehydrogenase 3; plus strand), MT-ND4 (mitochondrially encoded NADH dehydrogenase 4; plus strand) and 14 more.
Variant type: Deletion.
Identifiers: ClinVar variation 209212 (VCV000209212.2), ClinGen allele CA250413.

ClinVar aggregate classification (germline): Likely pathogenic (1 of 4 stars; one submission).

Conditions:
Macrocytic dyserythropoietic anemia. Identifiers: MedGen C4025183, HP:0005532.
Primary dilated cardiomyopathy (DCM). Also called: Dilated Cardiomyopathy. Identifiers: Orphanet 217604, MedGen C0007193, MeSH D002311, MONDO:0005021, HP:0001644. Inheritance: Various modes of inheritance.

Submission:

Baylor Genetics
Classification: Likely pathogenic for Macrocytic dyserythropoietic anemia; Dilated cardiomyopathy. Last evaluated: 2014-11-04. Review status: criteria provided, single submitter. Criteria: Yang et al. 2013. Collection method: clinical testing. Allele origin: de novo. Inheritance: Mitochondrial inheritance. Affected: yes. Study: Adult_WES.

Literature cited by the submitters: PubMed 26633545.